The following continues an entry in ClinVar:

NM_000053.4(ATP7B):c.3556G>A (p.Gly1186Ser)

Gene: ATP7B. ClinVar aggregate classification (germline): Pathogenic/Likely pathogenic. Pathogenic (13); Likely pathogenic (4).

Submissions 10 to 18 of 18:

All of Us Research Program, National Institutes of Health
Classification: Pathogenic for Wilson disease. Last evaluated: 2023-12-18. Review status: criteria provided, single submitter. Criteria: ACMG Guidelines, 2015. Collection method: clinical testing. Allele origin: germline. Inheritance: Autosomal recessive inheritance. Observed: 5 variant alleles, 5 heterozygotes.
Comment: This variant replaces glycine with serine at codon 1186 of the ATP7B protein. Computational prediction suggests that this variant may have deleterious impact on protein structure and function (internally defined REVEL score threshold >= 0.7, PMID: 27666373). Functional studies in yeast suggest that this variant does not disrupt copper transport activity, however, there could be a trafficking defect (PMID: 18203200). In addition, this variant alters the conserved, last c.G nucleotide of exon 16 and has been shown to cause in-frame skipping of exon 16 of the ATP7B gene (PMID: 20491539). ATP7B exon 16 (a.a. 1138-1186) encodes a part of functionally important nucleotide-binding (N) domain (a.a. 1032 - 1196) and contains multiple disease-causing missense variants, such as p.Ile1148Thr, p.Gly1149Ala, p.Arg1151Cys, p.Glu1173Lys and p.Thr1178Ala (ClinVar - ATP7B). This suggests that in-frame skipping of exon 16 due to this c.3556G>A variant is likely to disrupt ATP7B gene function. This variant has been reported in individuals affected with Wilson disease (PMID: 10453196, 10790207, 15967699, 17587212, 21645214, 22484412, 22940187, 29930488, 34400371), including seven individuals in the compound heterozygous state with a second pathogenic ATP7B variant in trans (PMID: 9452121, 20491539, 23556051, 25130000, 34866098). This variant has been identified in 2/249580 chromosomes in the general population by the Genome Aggregation Database (gnomAD). Based on the available evidence, this variant is classified as Pathogenic.

This study involves interpretation of variants in research participants for the purpose of population health screening. Participant phenotype was not available at the time of variant classification. Additional details can be found in publication PMID: 35346344, PMCID: PMC8962531

Mayo Clinic Laboratories, Mayo Clinic
Classification: Likely pathogenic. Last evaluated: 2023-10-17. Review status: criteria provided, single submitter. Criteria: ACMG Guidelines, 2015. Collection method: clinical testing. Allele origin: germline.
Comment: PP3, PP5, PM2_moderate, PM3, PM5

3billion
Classification: Likely pathogenic for Wilson disease. Last evaluated: 2023-08-01. Review status: criteria provided, single submitter. Criteria: ACMG Guidelines, 2015. Collection method: clinical testing. Allele origin: germline. Affected: yes.
Comment: The variant is observed at an extremely low frequency in the gnomAD v2.1.1 dataset (total allele frequency: 0.001%). Predicted Consequence/Location: Missense variant In silico tool predictions suggest damaging effect of the variant on gene or gene product (REVEL: 0.87; 3Cnet: 0.78). Same nucleotide change resulting in same amino acid change has been previously reported as pathogenic/likely pathogenic with strong evidence (ClinVar ID: VCV000188900 /PMID: 9452121).Different missense changes at the same codon (p.Gly1186Arg, p.Gly1186Cys, p.Gly1186Val) have been reported to be associated with ATP7B related disorder (PMID: 24094725, 32911910, 9311736). Therefore, this variant is classified as Likely pathogenic according to the recommendation of ACMG/AMP guideline.

Women's Health and Genetics/Laboratory Corporation of America, LabCorp
Classification: Pathogenic for Wilson disease. Last evaluated: 2022-09-29. Review status: criteria provided, single submitter. Criteria: LabCorp Variant Classification Summary - May 2015. Collection method: clinical testing. Allele origin: germline.
Comment: Variant summary: ATP7B c.3556G>A (p.Gly1186Ser) results in a non-conservative amino acid change located in the P-type ATPase, haloacid dehalogenase domain (IPR044492) of the encoded protein sequence. Four of five in-silico tools predict a damaging effect of the variant on protein function. Several computational tools predict a significant impact on normal splicing: Two predict the variant abolishes a canonical 5' splicing donor site, and two predict the variant creates a cryptic 3' acceptor site. This predicted impact on mRNA splicing was confirmed via cDNA sequencing of total RNA from patient liver samples, which showed that the variant causes skipping of exon 16 (Okada_2010). The variant allele was found at a frequency of 8e-06 in 249580 control chromosomes (gnomAD). c.3556G>A has been reported in the literature as a biallelic genotype in multiple individuals affected with Wilson Disease (e.g. Yamaguchi_1998, Okada_2010, Kim_2013, Katano_2014). These data indicate that the variant is very likely to be associated with disease. A seperate publication using a yeast complementation assay found that the variant had normal copper transport activity when expressed in a copper transport deficient yeast strain. However, the authors warned that other aspects of normal gene function (e.g. trafficking) may be altered, allowing for no convincing conclusions about the variants effect on protein function (Hsi_2008). Five ClinVar submitters have assessed the variant since 2014: two classify the variant as likely pathogenic, and three as pathogenic. Based on the evidence outlined above, the variant was classified as pathogenic.

Genome-Nilou Lab
Classification: Likely pathogenic for Wilson disease. Last evaluated: 2021-08-10. Review status: criteria provided, single submitter. Criteria: ACMG Guidelines, 2015. Collection method: clinical testing. Allele origin: germline. Affected: no.

Laboratory for Molecular Medicine, Mass General Brigham Personalized Medicine
Classification: Pathogenic for Wilson disease. Last evaluated: 2020-06-11. Review status: criteria provided, single submitter. Criteria: ACMG Guidelines, 2015. Collection method: clinical testing. Allele origin: germline.
Comment: The p.Gly1186Ser (c.3556G>A; also preported as p.G1187S in the literature) variant in ATP7B has been reported in over 6 individuals with Wilson disease, 6 of whom were compound heterozygous for a second ATP7B variant (Okada 2010, Seo 2012, Shimizu 1999, Tatsumi 2010, Vrabelova 2005, Yamaguchi 1998). This variant has been reported in ClinVar (ID 188900) and has also been identified in 0.002% (1/34528) of Latino and 0.0008% (1/113288) of European chromosomes by gnomAD. This variant is located in the last base of exon 16 of the ATP7B gene, which is part of the splice consensus sequence. This variant is predicted to result in altered splicing. Furthermore, RT-PCR performed on RNA derived from liver tissue from an affected individual indicated that this variant results in skipping of exon 16. In summary, this variant meets criteria to be classified as pathogenic for autosomal recessive Wilson disease. ACMG/AMP criteria applied: PM3_Strong, PM2, PVS1_Moderate, PP3, PP4.

Ambry Genetics
Classification: Pathogenic for Inborn genetic diseases. Last evaluated: 2016-04-11. Review status: criteria provided, single submitter. Criteria: Ambry Variant Classification Scheme 2023. Collection method: clinical testing. Allele origin: germline.
Comment: The c.3556G>A pathogenic mutation (also known as p.G1186S), located in coding exon 16 of the ATP7B gene, results from a G to A substitution at nucleotide position 3556. The amino acid change results in glycine to serine at codon 1186, an amino acid with similar properties. This alteration has been identified in the compound heterozygous state in several patients with Wilson disease (Yamaguchi A et al. Hum Mutat 1998;Suppl1:S320-2; Okada T et al. Scand J Gastroenterol 2010; 45 (10) :1232-7; Kim JW et al. World J Hepatol 2013; 5(3):156-9). The c.3556G>A pathogenic mutation changes the last base pair of coding exon 16, which makes it likely to have some effect on normal mRNA splicing. Using the BDGP and ESEfinder splice site prediction tools, this alteration is predicted to abolish the native splice donor site. In addition, this mutation has been shown to cause exon 16 skipping as verified by RT-PCR using total RNA extracted from the liver of a patient with Wilson disease (Okada T et al. Scand J Gastroenterol 2010; 45 (10) :1232-7). Based on the supporting evidence, c.3556G>A is interpreted as a disease-causing mutation.

Neuberg Centre For Genomic Medicine, NCGM
Classification: Likely pathogenic for Wilson disease. Review status: criteria provided, single submitter. Criteria: ACMG Guidelines, 2015. Collection method: clinical testing. Allele origin: germline. Inheritance: Autosomal recessive inheritance. Affected: yes.
Comment: The missense c.3556G>A (p.Gly1186Ser) variant in ATP7B gene has been observed in individual(s) with Wilson's disease (Gojová, L et al.,2008). RNA analysis indicates that this missense change induces altered splicing and likely results in a shortened protein product. Studies have shown that this missense change results in skipping of exon 16, but is expected to preserve the integrity of the readingframe (Okada, Toshihide et al., 2010). This variant is reported with the allele frequency 0.0008% in the gnomAD and novel in 1000 genome database. It has been submitted to ClinVar with varying interpretations: Pathogenic/ Likely Pathogenic. The amino acid Gly at position 1186 is changed to a Ser changing protein sequence and it might alter its composition and physico-chemical properties. The amino acid change p.Gly1186Ser in ATP7B is predicted as conserved by GERP++ and PhyloP across 100 vertebrates. For these reasons, this variant has been classified as Likely Pathogenic. In the absence of second reportable variant , the molecular diagnosis is not confirmed

Counsyl
Classification: Likely pathogenic for Wilson's disease. Last evaluated: 2014-07-24. Review status: no assertion criteria provided. Collection method: literature only. Allele origin: unknown. Inheritance: Autosomal recessive inheritance. Not counted in ClinVar's aggregate classification.

Literature cited by the submitters: PubMed 18371106 (cited by Labcorp Genetics (formerly Invitae), Labcorp and Mayo Clinic Laboratories, Mayo Clinic); PubMed 20491539 (cited by 7 submitters); PubMed 24010089 (cited by 4 submitters); PubMed 17576681 (cited by Labcorp Genetics (formerly Invitae), Labcorp); PubMed 9536098 (cited by Labcorp Genetics (formerly Invitae), Labcorp); PubMed 25130000 (cited by 5 submitters); PubMed 23556051 (cited by 6 submitters); PubMed 9452121 (cited by 8 submitters); PubMed 15967699 (cited by 5 submitters); PubMed 20453399 (cited by 4 submitters); PubMed 29930488 (cited by 3 submitters); PubMed 10453196 (cited by 4 submitters); PubMed 10790207 (cited by 3 submitters); PubMed 17587212 (cited by 3 submitters); PubMed 18203200 (cited by 5 submitters); PubMed 21645214 (cited by All of Us Research Program, National Institutes of Health); PubMed 22484412 (cited by 3 submitters); PubMed 22940187 (cited by All of Us Research Program, National Institutes of Health); PubMed 34400371 (cited by All of Us Research Program, National Institutes of Health and Mayo Clinic Laboratories, Mayo Clinic); PubMed 34866098 (cited by All of Us Research Program, National Institutes of Health and Mayo Clinic Laboratories, Mayo Clinic); PubMed 22692182 (cited by 3 submitters); PubMed 31589614 (cited by Mayo Clinic Laboratories, Mayo Clinic); PubMed 33260258 (cited by Mayo Clinic Laboratories, Mayo Clinic); PubMed 35220961 (cited by Mayo Clinic Laboratories, Mayo Clinic); PubMed 35257483 (cited by Mayo Clinic Laboratories, Mayo Clinic); PubMed 24094725 (cited by 3billion); PubMed 24253677 (cited by Ambry Genetics); PubMed 26269689 (cited by Ambry Genetics).